The following is an entry in ClinVar:

ClinVar aggregate classification (germline): Likely benign. Review status: criteria provided, multiple submitters, no conflicts (2 of 4 stars). 4 submissions from 4 submitters: Likely benign (4). Last evaluated 2025-12-18.

Allele frequency attached by ClinVar (database versions not stated): ExAC 0.00007; TOPMed 0.00007; gnomAD 0.00009; gnomAD exomes 0.00010 and 0.00016.
gnomAD v4.1: 245 of 1,614,034 alleles (0.015%); highest among the groups gnomAD compares: South Asian, 0.025%; no homozygotes.

Submissions (4):

Mayo Clinic Laboratories, Mayo Clinic
Classification: Likely benign. Last evaluated: 2025-12-18. Review status: criteria provided, single submitter. Criteria: ACMG Guidelines, 2015. Collection method: clinical testing. Allele origin: germline. Observed: 2 variant alleles.
Comment: BP4, BP7

Labcorp Genetics (formerly Invitae), Labcorp
Classification: Likely benign. Last evaluated: 2025-05-21. Review status: criteria provided, single submitter. Criteria: Invitae Variant Classification Sherloc (09022015). Collection method: clinical testing. Allele origin: germline.

Blueprint Genetics
Classification: Likely benign. Last evaluated: 2024-11-21. Review status: criteria provided, single submitter. Criteria: ACMG Guidelines, 2015. Collection method: clinical testing. Allele origin: germline.

ARUP Laboratories, Molecular Genetics and Genomics, ARUP Laboratories
Classification: Likely benign. Last evaluated: 2023-12-21. Review status: criteria provided, single submitter. Criteria: ARUP Molecular Germline Variant Investigation Process 2024. Collection method: clinical testing. Allele origin: germline.

NM_000188.3(HK1):c.1173C>T (p.Gly391=)

Gene: HK1 (hexokinase 1; plus strand). Cytogenetic location: 10q22.1.
Variant type: single nucleotide variant.
Coding change: c.1173C>T on transcript NM_000188.3 (MANE Select); coding-DNA position 1173, C replaced by T.
Protein change: p.Gly391=; no amino-acid change (glycine 391 retained).
Molecular consequence: synonymous variant.
Genome position (GRCh38, 1-based): chr10:69,380,003, C>T. VCF-style: chr10-69380003-C-T. GRCh37 (hg19) VCF-style: chr10-71139759-C-T.
Other names: p.Gly391=; c.1173C>T (NM_000188.2); c.1185C>T, p.Gly395= (NM_001322364.2, NM_001358263.1, NM_033497.3 and 1 more transcripts); c.1278C>T, p.Gly426= (NM_001322365.2); c.1089C>T, p.Gly363= (NM_001322366.1); c.1077C>T, p.Gly359= (NM_001322367.1); c.1170C>T, p.Gly390= (NM_033496.3); c.1137C>T, p.Gly379= (NM_033500.2).
Identifiers: ClinVar variation 1107421 (VCV001107421.12), dbSNP rs746791070, ClinGen allele CA5532525.